The following is an entry in ClinVar:

ClinVar aggregate classification (germline): Pathogenic (1 of 4 stars; one submission).

Conditions:
Early-infantile DEE. Also called: Ohtahara syndrome; Early infantile epileptic encephalopathy with suppression bursts; Early infantile epileptic encephalopathy. Identifiers: Orphanet 1934, MedGen C0393706, MONDO:0800491.

Submission:

Labcorp Genetics (formerly Invitae), Labcorp
Classification: Pathogenic for Early-infantile DEE. Last evaluated: 2021-03-05. Review status: criteria provided, single submitter. Criteria: Invitae Variant Classification Sherloc (09022015). Collection method: clinical testing. Allele origin: germline.
Comment: This sequence change creates a premature translational stop signal (p.Tyr1241*) in the SCN1A gene. It is expected to result in an absent or disrupted protein product. This variant is not present in population databases (ExAC no frequency). This variant has not been reported in the literature in individuals with SCN1A-related conditions. Loss-of-function variants in SCN1A are known to be pathogenic (PMID: 17347258, 18930999). For these reasons, this variant has been classified as Pathogenic.

Literature cited by the submitters: PubMed 17347258; PubMed 18930999.

NM_001165963.4(SCN1A):c.3715_3721dup (p.Tyr1241Ter)

Genes: SCN1A (sodium voltage-gated channel alpha subunit 1; minus strand), LOC102724058 (uncharacterized LOC102724058; plus strand). Cytogenetic location: 2q24.3.
Variant type: Duplication.
Coding change: c.3715_3721dup on transcript NM_001165963.4 (MANE Select); coding-DNA positions 3715 to 3721, 7 bases duplicated (GATATAT; older notation c.3715_3721dupGATATAT).
Protein change: p.Tyr1241Ter; replaces tyrosine 1241 with a stop codon.
Molecular consequence: nonsense. On other transcripts: non-coding transcript variant (1).
Genome position (GRCh38, 1-based): chr2:166,012,267-166,012,273, ATATATC duplicated on the plus strand (GATATAT on the coding strand, the reverse complement: SCN1A is on the minus strand). VCF-style (leftmost placement, unchanged base first): chr2-166012266-T-TATATATC. GRCh37 (hg19) VCF-style: chr2-166868776-T-TATATATC.
Other names: c.3631_3637dup, p.Tyr1213Ter (NM_001165964.3, NM_001353957.2, NM_001353958.2); c.3715_3721dup, p.Tyr1241Ter (NM_001202435.3, NM_001353948.2); c.3682_3688dup, p.Tyr1230Ter (NM_001353949.2, NM_001353950.2, NM_001353951.2 and 2 more transcripts); c.3679_3685dup, p.Tyr1229Ter (NM_001353954.2, NM_001353955.2); c.3628_3634dup, p.Tyr1212Ter (NM_001353960.2); c.1273_1279dup, p.Tyr427Ter (NM_001353961.2); short protein forms Y1212*, Y1213*, Y1229*, Y1230*, Y1241*, Y427*.
Identifiers: ClinVar variation 1070224 (VCV001070224.8), dbSNP rs2105593982, ClinGen allele CA2499215175.